The following is an entry in ClinVar:

NM_000051.4(ATM):c.3028_3029del (p.Asn1010fs)

Gene: ATM (ATM serine/threonine kinase; plus strand). Cytogenetic location: 11q22.3.
Variant type: Deletion.
Coding change: c.3028_3029del on transcript NM_000051.4 (MANE Select); coding-DNA positions 3028 to 3029, 2 bases deleted (AA; older notation c.3028_3029delAA).
Protein change: p.Asn1010fs; shifts the reading frame from asparagine 1010.
Molecular consequence: frameshift variant.
Genome position (GRCh38, 1-based): chr11:108,271,357-108,271,358, AA deleted. VCF-style (leftmost placement, unchanged base first): chr11-108271356-GAA-G. GRCh37 (hg19) VCF-style: chr11-108142083-GAA-G.
Other names: c.3028_3029del, p.Asn1010fs (NM_001351834.2); short protein forms N1010fs.
Identifiers: ClinVar variation 822649 (VCV000822649.4), dbSNP rs1591604513, ClinGen allele CA915948373.

ClinVar aggregate classification (germline): Pathogenic (1 of 4 stars; one submission).

Conditions:
Hereditary cancer-predisposing syndrome. Also called: Tumor predisposition; Hereditary Cancer Syndrome; Neoplastic Syndromes, Hereditary; Hereditary neoplastic syndrome. Identifiers: Orphanet 140162, MedGen C0027672, MeSH D009386, MONDO:0015356.

Submission:

Ambry Genetics
Classification: Pathogenic for Hereditary cancer-predisposing syndrome. Last evaluated: 2019-03-05. Review status: criteria provided, single submitter. Criteria: Ambry Variant Classification Scheme 2023. Collection method: clinical testing. Allele origin: germline.
Comment: The c.3028_3029delAA pathogenic mutation, located in coding exon 19 of the ATM gene, results from a deletion of two nucleotides at nucleotide positions 3028 to 3029, causing a translational frameshift with a predicted alternate stop codon (p.N1010Hfs*37). This alteration is expected to result in loss of function by premature protein truncation or nonsense-mediated mRNA decay. As such, this alteration is interpreted as a disease-causing mutation. Since supporting evidence is limited at this time, the clinical significance of this alteration remains unclear.